The following is an entry in ClinVar:

NM_000152.5(GAA):c.447G>A (p.Thr149=)

Gene: GAA (alpha glucosidase; plus strand). Cytogenetic location: 17q25.3.
Variant type: single nucleotide variant.
Coding change: c.447G>A on transcript NM_000152.5 (MANE Select); coding-DNA position 447, G replaced by A.
Protein change: p.Thr149=; no amino-acid change (threonine 149 retained).
Molecular consequence: synonymous variant.
Genome position (GRCh38, 1-based): chr17:80,105,033, G>A. VCF-style: chr17-80105033-G-A. GRCh37 (hg19) VCF-style: chr17-78078832-G-A.
Other names: c.447G>A (LRG_673t1); c.447G>A, p.Thr149= (NM_001079803.3, NM_001079804.3).
Identifiers: ClinVar variation 129121 (VCV000129121.45), dbSNP rs2289536, ClinGen allele CA152919.
Genomic context (GRCh38, chr17:80,105,033, plus strand): 5'-CCCACCCAGCTACCCCAGCTACAAGCTGGAGAACCTGAGCTCCTCTGAAATGGGCTACAC[G>A]GCCACCCTGACCCGTACCACCCCCACCTTCTTCCCCAAGGACATCCTGACCCTGCGGCTG-3'
Protein context (NP_000143.2, residues 139-159): ENLSSSEMGY[Thr149=]ATLTRTTPTF

ClinVar aggregate classification (germline): Benign/Likely benign. Review status: criteria provided, multiple submitters, no conflicts (2 of 4 stars). 18 submissions from 18 submitters: Benign (10); Likely benign (4). 4 of the submissions do not count toward it. Last evaluated 2026-02-03.

Conditions:
Cardiovascular phenotype. Identifiers: MedGen CN230736.
Glycogen storage disease, type II (IOPD). Also called: Glucosidase acid-1,4-alpha deficiency; Pompe Disease; GLYCOGENOSIS, GENERALIZED, CARDIAC FORM; GSD II; POMPE DISEASE, INFANTILE-ONSET; GLYCOGEN STORAGE DISEASE II, INFANTILE-ONSET. Identifiers: Orphanet 365, MedGen C0017921, MONDO:0009290, OMIM 232300.

Allele frequency attached by ClinVar (database versions not stated): ESP Exome Variant Server 0.00293; gnomAD 0.00362 and 0.00397; TOPMed 0.00414; ExAC 0.00506; gnomAD exomes 0.00509 and 0.00539; 1000 Genomes Project 0.00958; 1000 Genomes Project 30x 0.00968.
gnomAD v4.1: 8,525 of 1,612,848 alleles (0.53%); highest among the groups gnomAD compares: East Asian, 3%; 47 homozygotes.

Submissions (18):

Labcorp Genetics (formerly Invitae), Labcorp
Classification: Benign for Glycogen storage disease, type II. Last evaluated: 2026-02-03. Review status: criteria provided, single submitter. Criteria: Invitae Variant Classification Sherloc (09022015). Collection method: clinical testing. Allele origin: germline.

ARUP Laboratories, Molecular Genetics and Genomics, ARUP Laboratories
Classification: Benign for Glycogen storage disease, type II. Last evaluated: 2025-07-22. Review status: criteria provided, single submitter. Criteria: ARUP Molecular Germline Variant Investigation Process 2024. Collection method: clinical testing. Allele origin: germline.

Blueprint Genetics
Classification: Likely benign. Last evaluated: 2024-11-27. Review status: criteria provided, single submitter. Criteria: ACMG Guidelines, 2015. Collection method: clinical testing. Allele origin: germline.

Mayo Clinic Laboratories, Mayo Clinic
Classification: Benign. Last evaluated: 2023-07-06. Review status: criteria provided, single submitter. Criteria: ACMG Guidelines, 2015. Collection method: clinical testing. Allele origin: germline. Observed: 27 variant alleles.

Genome-Nilou Lab
Classification: Likely benign for Glycogen storage disease, type II. Last evaluated: 2021-05-18. Review status: criteria provided, single submitter. Criteria: ACMG Guidelines, 2015. Collection method: clinical testing. Allele origin: germline. Affected: no.

Ambry Genetics
Classification: Benign for Cardiovascular phenotype. Last evaluated: 2020-09-10. Review status: criteria provided, single submitter. Criteria: Ambry Variant Classification Scheme 2023. Collection method: clinical testing. Allele origin: germline.

Broad Center for Mendelian Genomics, Broad Institute of MIT and Harvard
Classification: Benign for Glycogen storage disease, type II. Last evaluated: 2020-01-22. Review status: criteria provided, single submitter. Criteria: ACMG Guidelines, 2015. Collection method: curation. Allele origin: germline. Inheritance: Autosomal recessive inheritance.
Comment: The c.447G>A (p.Thr149=) variant in GAA has been reported in one individual with Glycogen Storage Disease Type II (PMID: 18458862). This variant has been reported as a benign variant (by UChicago Genetics Services Laboratory, GeneDx, Invitae, EGL, and PreventionGenetics) and a VUS (by Illumina) in ClinVar (Variation ID: 129121). This variant has been identified in 2.97% (590/19862) of East Asian chromosomes and 13 homozygotes as well as other populations at lesser frequencies by the Genome Aggregation Database (gnomAD; dbSNP rs2289536). This variant has been seen in the general population at a frequency high enough to rule out a pathogenic role. Computational prediction tools, including splice predictors, and conservation analyses suggest that this variant may not impact the protein, though this information is not predictive enough to rule out pathogenicity. In summary, this variant meets criteria to be classified as benign for Glycogen Storage Disease II in an autosomal recessive manner based on its frequency in the general population. ACMG/AMP Criteria applied: BA1, BP7, BP4 (Richards 2015).

Women's Health and Genetics/Laboratory Corporation of America, LabCorp
Classification: Benign. Last evaluated: 2018-01-25. Review status: criteria provided, single submitter. Criteria: LabCorp Variant Classification Summary - May 2015. Collection method: clinical testing. Allele origin: germline.
Comment: Variant summary: The GAA c.447G>A (p.Thr149Thr) variant involves the alteration of a non-conserved nucleotide, resulting in a synonymous change that is not located in any known domain (InterPro). One in silico tool predicts a damaging outcome for this variant. 5/5 splice prediction tools predict no significant impact on normal splicing. However, these predictions have yet to be confirmed by functional studies. This variant was found in 1372/272790 control chromosomes (12 homozygotes) at a frequency of 0.0050295, which is approximately equal to the estimated maximal expected allele frequency of a pathogenic GAA variant (0.0042205), suggesting this variant is likely a benign polymorphism. In addition, multiple clinical diagnostic laboratories/reputable databases classified this variant as benign. The variant of interest has not, to our knowledge, been reported in affected individuals via publications and/or reputable databases/clinical diagnostic laboratories; nor evaluated for functional impact by in vivo/vitro studies. Taken together, this variant is classified as benign.

Illumina Laboratory Services, Illumina
Classification: Likely benign for Glycogen storage disease, type II. Last evaluated: 2018-01-13. Review status: criteria provided, single submitter. Criteria: ICSL Variant Classification Criteria 13 December 2019. Collection method: clinical testing. Allele origin: germline.
Comment: This variant was observed in the ICSL laboratory as part of a predisposition screen in an ostensibly healthy population. It had not been previously curated by ICSL or reported in the Human Gene Mutation Database (HGMD: prior to June 1st, 2018), and was therefore a candidate for classification through an automated scoring system. Utilizing variant allele frequency, disease prevalence and penetrance estimates, and inheritance mode, an automated score was calculated to assess if this variant is too frequent to cause the disease. Based on the score and internal cut-off values, a variant classified as likely benign is not then subjected to further curation. The score for this variant resulted in a classification of likely benign for this disease.

GeneDx
Classification: Benign. Last evaluated: 2016-11-14. Review status: criteria provided, single submitter. Criteria: GeneDx Variant Classification (06012015). Collection method: clinical testing. Allele origin: germline. Affected: yes.
Comment: This variant is considered likely benign or benign based on one or more of the following criteria: it is a conservative change, it occurs at a poorly conserved position in the protein, it is predicted to be benign by multiple in silico algorithms, and/or has population frequency not consistent with disease.

Genetic Services Laboratory, University of Chicago
Classification: Benign. Last evaluated: 2016-04-19. Review status: criteria provided, single submitter. Criteria: ACMG Guidelines, 2015. Collection method: clinical testing. Allele origin: germline. Affected: no.

Eurofins Ntd Llc (ga)
Classification: Benign. Last evaluated: 2015-05-06. Review status: criteria provided, single submitter. Criteria: EGL Classification Definitions 2015. Collection method: clinical testing. Allele origin: germline. Observed: 2 variant alleles, 2 heterozygotes.

Breakthrough Genomics
Classification: Likely benign. Review status: criteria provided, single submitter. Criteria: ACMG Guidelines, 2015. Collection method: not provided. Allele origin: germline. Inheritance: Autosomal recessive inheritance. Affected: yes.

PreventionGenetics, part of Exact Sciences
Classification: Benign. Review status: criteria provided, single submitter. Criteria: ACMG Guidelines, 2015. Collection method: clinical testing. Allele origin: germline.

Natera, Inc.
Classification: Likely benign for Glycogen storage disease type II. Last evaluated: 2020-01-02. Review status: no assertion criteria provided. Collection method: clinical testing. Allele origin: germline. Not counted in ClinVar's aggregate classification.

Clinical Genetics DNA and cytogenetics Diagnostics Lab, Erasmus MC, Erasmus Medical Center
Classification: Benign. Review status: no assertion criteria provided. Collection method: clinical testing. Allele origin: germline. Affected: yes. Study: VKGL Data-share Consensus. Not counted in ClinVar's aggregate classification.

Genome Diagnostics Laboratory, University Medical Center Utrecht
Classification: Likely benign. Review status: no assertion criteria provided. Collection method: clinical testing. Allele origin: germline. Affected: yes. Study: VKGL Data-share Consensus. Not counted in ClinVar's aggregate classification.

Laboratory of Diagnostic Genome Analysis, Leiden University Medical Center (LUMC)
Classification: Likely benign. Review status: no assertion criteria provided. Collection method: clinical testing. Allele origin: germline. Affected: yes. Study: VKGL Data-share Consensus. Not counted in ClinVar's aggregate classification.

Literature cited by the submitters: PubMed 18458862 (cited by Women's Health and Genetics/Laboratory Corporation of America, LabCorp).